The following is an entry in ClinVar:

ClinVar aggregate classification (germline): Uncertain significance (1 of 4 stars; one submission).

Conditions:
Combined oxidative phosphorylation deficiency 55 (COXPD55). Identifiers: MedGen C5676915, MONDO:0859228, OMIM 619743.

gnomAD v4.1: 14 of 1,592,534 alleles (0.00088%); highest among the groups gnomAD compares: Non-Finnish European, 0.00026%; no homozygotes.

Submission:

Victorian Clinical Genetics Services, Murdoch Childrens Research Institute
Classification: Uncertain significance for Combined oxidative phosphorylation deficiency 55. Last evaluated: 2022-09-02. Review status: criteria provided, single submitter. Criteria: ACMG Guidelines, 2015. Collection method: clinical testing. Allele origin: germline. Affected: yes.
Comment: Based on the classification scheme VCGS_Germline_v1.3.4, this variant is classified as VUS-3B. Following criteria are met: 0102 - Loss of function is a known mechanism of disease in this gene and is associated with combined oxidative phosphorylation deficiency 55 (MIM#619743). Dominant negative has also been suggested as the mechanism of disease for an in-frame deletion variant (PMID:33602924). (I) 0108 - This gene is associated with both recessive and dominant disease. Currently there is no clear association known between variant type and form of inheritance, however only two premature termination variants have been reported and both have been associated with recessive inheritance (PMID:33602924). (I) 0115 - Variants in this gene are known to have variable expressivity. Disease severity and age of onset are variable among reported patients (PMID:33602924). (I) 0200 - Variant is predicted to result in a missense amino acid change from arginine to glutamine. (I) 0251 - This variant is heterozygous. (I) 0304 - Variant is present in gnomAD (v2) <0.01 (2 heterozygotes, 0 homozygotes). (SP) 0309 - An alternative amino acid change at the same position has been observed in gnomAD (v2) (6 heterozygotes, 0 homozygotes). (I) 0502 - Missense variant with conflicting in silico predictions and high conservation. (I) 0604 - Variant is not located in an established domain, motif, hotspot or informative constraint region. (I) 0705 - No comparable missense variants have previous evidence for pathogenicity. (I) 0807 - This variant has no previous evidence of pathogenicity. (I) 0905 - No published segregation evidence has been identified for this variant. (I) 1007 - No published functional evidence has been identified for this variant. (I) 1208 - Inheritance information for this variant is not currently available in this individual. (I) Legend: (SP) - Supporting pathogenic, (I) - Information, (SB) - Supporting benign

Literature cited by the submitters: PubMed 33602924.

NM_005035.4(POLRMT):c.2369G>A (p.Arg790Gln)

Gene: POLRMT (RNA polymerase mitochondrial; minus strand). Cytogenetic location: 19p13.3.
Variant type: single nucleotide variant.
Coding change: c.2369G>A on transcript NM_005035.4 (MANE Select); coding-DNA position 2369, G replaced by A.
Protein change: p.Arg790Gln; replaces arginine 790 with glutamine.
Molecular consequence: missense variant. On other transcripts: non-coding transcript variant (1).
Genome position (GRCh38, 1-based): chr19:621,329, C>T on the plus strand (G>A on the coding strand, the complement: POLRMT is on the minus strand). VCF-style: chr19-621329-C-T. GRCh37 (hg19) VCF-style: chr19-621329-C-T.
Other names: c.2369G>A, p.Arg790Gln (NM_001407805.1, NM_001407808.1, NM_001407812.1 and 4 more transcripts); c.2360G>A, p.Arg787Gln (NM_001407806.1, NM_001407809.1); c.2357G>A, p.Arg786Gln (NM_001407807.1, NM_001407810.1); c.2327G>A, p.Arg776Gln (NM_001407811.1, NM_001407813.1); c.2144G>A, p.Arg715Gln (NM_001407830.1, NM_001407832.1); c.2045G>A, p.Arg682Gln (NM_001407831.1, NM_001407833.1, NM_001407835.1 and 1 more transcripts); c.2036G>A, p.Arg679Gln (NM_001407834.1); short protein forms R679Q, R682Q, R715Q, R776Q, R786Q, R787Q, R790Q.
Identifiers: ClinVar variation 3376631 (VCV003376631.1).